The following is an entry in ClinVar:

ClinVar aggregate classification (germline): Uncertain significance (1 of 4 stars; one submission).

Submission:

GeneDx
Classification: Uncertain significance. Last evaluated: 2025-06-09. Review status: criteria provided, single submitter. Criteria: GeneDx Variant Classification Process June 2021. Collection method: clinical testing. Allele origin: germline. Affected: yes.
Comment: Not observed at significant frequency in large population cohorts (gnomAD); In silico analysis supports that this missense variant has a deleterious effect on protein structure/function; Has not been previously published as pathogenic or benign to our knowledge

NM_001020658.2(PUM1):c.3160C>A (p.His1054Asn)

Gene: PUM1 (pumilio RNA binding family member 1; minus strand). Cytogenetic location: 1p35.2.
Variant type: single nucleotide variant.
Coding change: c.3160C>A on transcript NM_001020658.2 (MANE Select); coding-DNA position 3160, C replaced by A.
Protein change: p.His1054Asn; replaces histidine 1054 with asparagine.
Molecular consequence: missense variant.
Genome position (GRCh38, 1-based): chr1:30,941,233, G>T on the plus strand (C>A on the coding strand, the complement: PUM1 is on the minus strand). VCF-style: chr1-30941233-G-T. GRCh37 (hg19) VCF-style: chr1-31414080-G-T.
Other names: c.3154C>A, p.His1052Asn (NM_014676.3); short protein forms H1052N, H1054N.
Identifiers: ClinVar variation 4537946 (VCV004537946.1).